The following is an entry in ClinVar:

NM_024685.4(BBS10):c.2087C>G (p.Thr696Arg)

Gene: BBS10 (Bardet-Biedl syndrome 10; minus strand). Cytogenetic location: 12q21.2.
Variant type: single nucleotide variant.
Coding change: c.2087C>G on transcript NM_024685.4 (MANE Select); coding-DNA position 2087, C replaced by G.
Protein change: p.Thr696Arg; replaces threonine 696 with arginine.
Molecular consequence: missense variant.
Genome position (GRCh38, 1-based): chr12:76,345,898, G>C on the plus strand (C>G on the coding strand, the complement: BBS10 is on the minus strand). VCF-style: chr12-76345898-G-C. GRCh37 (hg19) VCF-style: chr12-76739678-G-C.
Other names: short protein forms T696R.
Identifiers: ClinVar variation 4984699 (VCV004984699.1).

ClinVar aggregate classification (germline): Uncertain significance (1 of 4 stars; one submission).

Conditions:
BBS10-related disorder. Also called: BBS10-related condition.

gnomAD v4.1: 2 of 1,613,716 alleles (0.00012%); highest among the groups gnomAD compares: Admixed American, 0.0017%; no homozygotes.

Submission:

PreventionGenetics, part of Exact Sciences
Classification: Uncertain significance for BBS10-related condition. Last evaluated: 2024-11-10. Review status: criteria provided, single submitter. Criteria: ACMG Guidelines, 2015. Collection method: clinical testing. Allele origin: germline.
Comment: The BBS10 c.2087C>G variant is predicted to result in the amino acid substitution p.Thr696Arg. To our knowledge, this variant has not been reported in the literature or in a large population database (gnomAD), indicating this variant is rare. At this time, the clinical significance of this variant is uncertain due to the absence of conclusive functional and genetic evidence.